The following is an entry in ClinVar:

NM_000059.4(BRCA2):c.3219G>T (p.Gln1073His)

Gene: BRCA2 (BRCA2 DNA repair associated; plus strand). Cytogenetic location: 13q13.1.
Variant type: single nucleotide variant.
Coding change: c.3219G>T on transcript NM_000059.4 (MANE Select); coding-DNA position 3219, G replaced by T.
Protein change: p.Gln1073His; replaces glutamine 1073 with histidine.
Molecular consequence: missense variant.
Genome position (GRCh38, 1-based): chr13:32,337,574, G>T. VCF-style: chr13-32337574-G-T. GRCh37 (hg19) VCF-style: chr13-32911711-G-T.
Other names: c.3219G>T, p.Gln1073His (NM_001406719.1, NM_001406720.1); short protein forms Q1073H.
Identifiers: ClinVar variation 1729028 (VCV001729028.4), dbSNP rs753935319, ClinGen allele CA387775898.

ClinVar aggregate classification (germline): Conflicting classifications of pathogenicity. Review status: criteria provided, conflicting classifications (1 of 4 stars). 2 submissions from 2 submitters: Uncertain significance (1); Likely benign (1). Last evaluated 2023-03-23.

Conditions:
Hereditary cancer-predisposing syndrome. Also called: Tumor predisposition; Neoplastic Syndromes, Hereditary; Hereditary Cancer Syndrome; Hereditary neoplastic syndrome. Identifiers: Orphanet 140162, MedGen C0027672, MeSH D009386, MONDO:0015356.

Submissions (2):

University of Washington Department of Laboratory Medicine, University of Washington
Classification: Likely benign for Hereditary cancer-predisposing syndrome. Last evaluated: 2023-03-23. Review status: criteria provided, single submitter. Criteria: Dines et al. (Genet Med. 2020). Collection method: curation. Allele origin: germline.
Comment: Missense variant in a coldspot region where missense variants are very unlikely to be pathogenic (PMID:31911673).

BRCA2 exon 11 coldspot. Reclassification based on statistical prior probability.

Ambry Genetics
Classification: Uncertain significance for Hereditary cancer-predisposing syndrome. Last evaluated: 2018-08-04. Review status: criteria provided, single submitter. Criteria: Ambry Variant Classification Scheme 2023. Collection method: clinical testing. Allele origin: germline.
Comment: The p.Q1073H variant (also known as c.3219G>T), located in coding exon 10 of the BRCA2 gene, results from a G to T substitution at nucleotide position 3219. The glutamine at codon 1073 is replaced by histidine, an amino acid with highly similar properties. This amino acid position is not well conserved in available vertebrate species. In addition, this alteration is predicted to be tolerated by in silico analysis. Since supporting evidence is limited at this time, the clinical significance of this alteration remains unclear.